The following is an entry in ClinVar:

ClinVar aggregate classification (germline): Uncertain significance. Review status: criteria provided, multiple submitters, no conflicts (2 of 4 stars). 2 submissions from 2 submitters: Uncertain significance (2). Last evaluated 2024-11-05.

Conditions:
Inborn genetic diseases. Identifiers: MedGen C0950123, MeSH D030342.
Deficiency of malonyl-CoA decarboxylase. Also called: Malonic aciduria; MCD deficiency. Identifiers: Orphanet 943, MedGen C0342793, MONDO:0009556, OMIM 248360.

Allele frequency attached by ClinVar (database versions not stated): gnomAD 0.00001; gnomAD exomes 0.00001 and 0.00002; ExAC 0.00002; TOPMed 0.00002.
gnomAD v4.1: 16 of 1,614,088 alleles (0.00099%); highest among the groups gnomAD compares: South Asian, 0.0033%; no homozygotes.

Submissions (2):

Labcorp Genetics (formerly Invitae), Labcorp
Classification: Uncertain significance for Deficiency of malonyl-CoA decarboxylase. Last evaluated: 2024-11-05. Review status: criteria provided, single submitter. Criteria: Invitae Variant Classification Sherloc (09022015). Collection method: clinical testing. Allele origin: germline.
Comment: This sequence change replaces valine, which is neutral and non-polar, with isoleucine, which is neutral and non-polar, at codon 231 of the MLYCD protein (p.Val231Ile). This variant is present in population databases (rs774892514, gnomAD 0.007%). This variant has not been reported in the literature in individuals affected with MLYCD-related conditions. ClinVar contains an entry for this variant (Variation ID: 1424651). An algorithm developed to predict the effect of missense changes on protein structure and function (PolyPhen-2) suggests that this variant is likely to be disruptive. In summary, the available evidence is currently insufficient to determine the role of this variant in disease. Therefore, it has been classified as a Variant of Uncertain Significance.

Ambry Genetics
Classification: Uncertain significance for Inborn genetic diseases. Last evaluated: 2023-11-06. Review status: criteria provided, single submitter. Criteria: Ambry Variant Classification Scheme 2023. Collection method: clinical testing. Allele origin: germline.

NM_012213.3(MLYCD):c.691G>A (p.Val231Ile)

Gene: MLYCD (malonyl-CoA decarboxylase; plus strand). Cytogenetic location: 16q23.3.
Variant type: single nucleotide variant.
Coding change: c.691G>A on transcript NM_012213.3 (MANE Select); coding-DNA position 691, G replaced by A.
Protein change: p.Val231Ile; replaces valine 231 with isoleucine.
Molecular consequence: missense variant.
Genome position (GRCh38, 1-based): chr16:83,908,175, G>A. VCF-style: chr16-83908175-G-A. GRCh37 (hg19) VCF-style: chr16-83941780-G-A.
Other names: c.691G>A (NM_012213.2); short protein forms V231I.
Identifiers: ClinVar variation 1424651 (VCV001424651.5), dbSNP rs774892514, ClinGen allele CA8197340.